The following is an entry in ClinVar:

ClinVar aggregate classification (germline): Uncertain significance. Review status: criteria provided, multiple submitters, no conflicts (2 of 4 stars). 2 submissions from 2 submitters: Uncertain significance (2). Last evaluated 2025-12-08.

Conditions:
Inborn genetic diseases. Identifiers: MedGen C0950123, MeSH D030342.
Drash syndrome (DDS). Also called: WILMS TUMOR AND PSEUDO- OR TRUE HERMAPHRODITISM; NEPHROPATHY, WILMS TUMOR, AND GENITAL ANOMALIES. Identifiers: Orphanet 220, MedGen C0950121, MONDO:0008682, OMIM 194080.
Wilms tumor 1 (WT1). Also called: Wilms tumor, somatic. Identifiers: Orphanet 654, MedGen CN033288, MONDO:0008679, OMIM 194070.
11p partial monosomy syndrome (WAGR). Also called: WAGR Spectrum Disorder; CHROMOSOME 11p13 DELETION SYNDROME; WAGR syndrome; WAGR Complex. Identifiers: Orphanet 893, MedGen C0206115, MONDO:0008681, OMIM 194072.
Frasier syndrome. Identifiers: Orphanet 347, MedGen C0950122, MeSH D052159, MONDO:0007635, OMIM 136680.

Allele frequency attached by ClinVar (database versions not stated): TOPMed below 0.00001; gnomAD 0.00001.

Submissions (2):

Ambry Genetics
Classification: Uncertain significance for Inborn genetic diseases. Last evaluated: 2025-12-08. Review status: criteria provided, single submitter. Criteria: Ambry Variant Classification Scheme 2023. Collection method: clinical testing. Allele origin: germline.
Comment: The c.562_567dupGCGTCA variant (also known as p.A188_S189dup), located in coding exon 1 of the WT1 gene, results from an in-frame duplication of GCGTCA at nucleotide positions 562 to 567. This results in the duplication of 2 extra residues (AS) between codons 188 and 189. These amino acid positions are not well conserved in available vertebrate species. In addition, the in silico prediction for this variant is inconclusive (Choi Y et al. PLoS ONE. 2012; 7(10):e46688). Based on the available evidence, the clinical significance of this variant remains unclear.

Labcorp Genetics (formerly Invitae), Labcorp
Classification: Uncertain significance for Wilms tumor 1; Drash syndrome; 11p partial monosomy syndrome; Frasier syndrome. Last evaluated: 2023-02-10. Review status: criteria provided, single submitter. Criteria: Invitae Variant Classification Sherloc (09022015). Collection method: clinical testing. Allele origin: germline.
Comment: This variant is not present in population databases (gnomAD no frequency). This variant, c.562_567dup, results in the insertion of 2 amino acid(s) of the WT1 protein (p.Ala188_Ser189dup), but otherwise preserves the integrity of the reading frame. In summary, the available evidence is currently insufficient to determine the role of this variant in disease. Therefore, it has been classified as a Variant of Uncertain Significance. This variant has not been reported in the literature in individuals affected with WT1-related conditions.

NM_024426.6(WT1):c.577_582dup (p.Ser194_Ser195insAlaSer)

Genes: WT1 (WT1 transcription factor; minus strand), LOC107982234 (WT1/WT1-AS bi-directional promoter region; plus strand). Cytogenetic location: 11p13.
Variant type: Duplication.
Coding change: c.577_582dup on transcript NM_024426.6 (MANE Select); coding-DNA positions 577 to 582, 6 bases duplicated (GCGTCA; older notation c.577_582dupGCGTCA).
Protein change: p.Ser194_Ser195insAlaSer.
Molecular consequence: inframe insertion. On other transcripts: inframe indel (8), non-coding transcript variant (1).
Genome position (GRCh38, 1-based): chr11:32,434,779-32,434,784, TGACGC duplicated on the plus strand (GCGTCA on the coding strand, the reverse complement: WT1 is on the minus strand). VCF-style (leftmost placement, unchanged base first): chr11-32434778-A-ATGACGC. GRCh37 (hg19) VCF-style: chr11-32456324-A-ATGACGC.
Other names: c.562_567dupGCGTCA (NM_024426.4); c.577_582dup, p.Ser194_Ser195insAlaSer (NM_000378.6, NM_001407044.1, NM_001407045.1 and 6 more transcripts); c.562_567dup, p.Ser189_Ser190insAlaSer (NM_024425.2).
Identifiers: ClinVar variation 2038851 (VCV002038851.5), dbSNP rs1853437781, ClinGen allele CA936590706.